The following is an entry in ClinVar:

ClinVar aggregate classification (germline): Uncertain significance (1 of 4 stars; one submission).

Submission:

CeGaT Center for Human Genetics Tuebingen
Classification: Uncertain significance. Last evaluated: 2024-05-01. Review status: criteria provided, single submitter. Criteria: CeGaT Center For Human Genetics Tuebingen Variant Classification Criteria Version 2. Collection method: clinical testing. Allele origin: germline. Affected: yes. Observed: 1 variant allele.
Comment: MED12: PM2, BP4

NM_005120.3(MED12):c.1975-6C>A

Gene: MED12 (mediator complex subunit 12; plus strand). Cytogenetic location: Xq13.1.
Variant type: single nucleotide variant.
Coding change: c.1975-6C>A on transcript NM_005120.3 (MANE Select); 6 bases into the intron before coding-DNA position 1975, C replaced by A.
Molecular consequence: intron variant.
Genome position (GRCh38, 1-based): chrX:71,124,758, C>A. VCF-style: chrX-71124758-C-A. GRCh37 (hg19) VCF-style: chrX-70344608-C-A.
Identifiers: ClinVar variation 3239157 (VCV003239157.19), dbSNP rs2519676883.